The following is an entry in ClinVar:

ClinVar aggregate classification (germline): Likely benign (1 of 4 stars; one submission).

Allele frequency attached by ClinVar (database versions not stated): TOPMed below 0.00001; gnomAD 0.00001.
gnomAD v4.1: 1 of 1,549,262 alleles (0.000065%); highest among the groups gnomAD compares: African/African-American, 0.0014%; no homozygotes.

Submission:

Women's Health and Genetics/Laboratory Corporation of America, LabCorp
Classification: Likely benign. Last evaluated: 2023-10-13. Review status: criteria provided, single submitter. Criteria: LabCorp Variant Classification Summary - May 2015. Collection method: clinical testing. Allele origin: germline.
Comment: Variant summary: DNA2 c.720-9T>G alters a non-conserved nucleotide located at a position not widely known to affect splicing. Consensus agreement among computation tools predict no significant impact on normal splicing. However, these predictions have yet to be confirmed by functional studies. The variant was absent in 163910 control chromosomes. The available data on variant occurrences in the general population are insufficient to allow any conclusion about variant significance. To our knowledge, no occurrence of c.720-9T>G in individuals affected with Progressive External Ophthalmoplegia With Mitochondrial DNA Deletions, Autosomal Dominant 6 and no experimental evidence demonstrating its impact on protein function have been reported. No submitters have cited clinical-significance assessments for this variant to ClinVar after 2014. Based on the evidence outlined above, the variant was classified as likely benign.

NM_001080449.3(DNA2):c.720-9T>G

Gene: DNA2 (DNA replication helicase/nuclease 2; minus strand). Cytogenetic location: 10q21.3.
Variant type: single nucleotide variant.
Coding change: c.720-9T>G on transcript NM_001080449.3 (MANE Select); 9 bases into the intron before coding-DNA position 720, T replaced by G.
Molecular consequence: intron variant.
Genome position (GRCh38, 1-based): chr10:68,450,256, A>C on the plus strand (T>G on the coding strand, the complement: DNA2 is on the minus strand). VCF-style: chr10-68450256-A-C. GRCh37 (hg19) VCF-style: chr10-70210013-A-C.
Identifiers: ClinVar variation 2637712 (VCV002637712.1), dbSNP rs2052101581, ClinGen allele CA929553181.
Genomic context (GRCh38, chr10:68,450,256, plus strand): 5'-TTTCACGACTTCAATGTTACATGTTGAATTATCCTTACTATTATCACTTGGCCTGAAAAA[A>C]AAAAAAGCACAAAAACACTTAATTAGAACTCTTAGCTCATTTCACATCTGCTGGCTCTGA-3'